The following is an entry in ClinVar:

NM_007209.4(RPL35):c.84G>A (p.Leu28=)

Gene: RPL35 (ribosomal protein L35; minus strand). Cytogenetic location: 9q33.3.
Variant type: single nucleotide variant.
Coding change: c.84G>A on transcript NM_007209.4 (MANE Select); coding-DNA position 84, G replaced by A.
Protein change: p.Leu28=; no amino-acid change (leucine 28 retained).
Molecular consequence: synonymous variant.
Genome position (GRCh38, 1-based): chr9:124,861,475, C>T on the plus strand (G>A on the coding strand, the complement: RPL35 is on the minus strand). VCF-style: chr9-124861475-C-T. GRCh37 (hg19) VCF-style: chr9-127623754-C-T.
Identifiers: ClinVar variation 1971300 (VCV001971300.13), dbSNP rs142641161, ClinGen allele CA5237271.

ClinVar aggregate classification (germline): Likely benign. Review status: criteria provided, multiple submitters, no conflicts (2 of 4 stars). 3 submissions from 3 submitters: Likely benign (3). Last evaluated 2025-11-18.

Allele frequency attached by ClinVar (database versions not stated): gnomAD 0.00055; TOPMed 0.00059; 1000 Genomes Project 0.00060; 1000 Genomes Project 30x 0.00062; ESP Exome Variant Server 0.00069; gnomAD exomes 0.00096.
gnomAD v4.1: 1,485 of 1,613,966 alleles (0.092%); highest among the groups gnomAD compares: Non-Finnish European, 0.11%; 3 homozygotes.

Submissions (3):

Labcorp Genetics (formerly Invitae), Labcorp
Classification: Likely benign. Last evaluated: 2025-11-18. Review status: criteria provided, single submitter. Criteria: Invitae Variant Classification Sherloc (09022015). Collection method: clinical testing. Allele origin: germline.

CeGaT Center for Human Genetics Tuebingen
Classification: Likely benign. Last evaluated: 2025-09-01. Review status: criteria provided, single submitter. Criteria: CeGaT Center For Human Genetics Tuebingen Variant Classification Criteria Version 2. Collection method: clinical testing. Allele origin: germline. Affected: yes. Observed: 1 variant allele.
Comment: RPL35: BP4, BP7

Blueprint Genetics
Classification: Likely benign. Last evaluated: 2024-10-28. Review status: criteria provided, single submitter. Criteria: ACMG Guidelines, 2015. Collection method: clinical testing. Allele origin: germline.